The following is an entry in ClinVar:

ClinVar aggregate classification (germline): Uncertain significance (1 of 4 stars; one submission).

Allele frequency attached by ClinVar (database versions not stated): gnomAD 0.00002 and 0.00005; ExAC 0.00012; 1000 Genomes Project 30x 0.00047; 1000 Genomes Project 0.00060.

Submission:

Labcorp Genetics (formerly Invitae), Labcorp
Classification: Uncertain significance. Last evaluated: 2022-07-11. Review status: criteria provided, single submitter. Criteria: Invitae Variant Classification Sherloc (09022015). Collection method: clinical testing. Allele origin: germline.
Comment: This sequence change replaces isoleucine, which is neutral and non-polar, with serine, which is neutral and polar, at codon 236 of the TAPT1 protein (p.Ile236Ser). The frequency data for this variant in the population databases is considered unreliable, as metrics indicate poor data quality at this position in the gnomAD database. This variant has not been reported in the literature in individuals affected with TAPT1-related conditions. ClinVar contains an entry for this variant (Variation ID: 1416810). Algorithms developed to predict the effect of missense changes on protein structure and function are either unavailable or do not agree on the potential impact of this missense change (SIFT: "Deleterious"; PolyPhen-2: "Probably Damaging"; Align-GVGD: "Class C0"). Algorithms developed to predict the effect of sequence changes on RNA splicing suggest that this variant may disrupt the consensus splice site. In summary, the available evidence is currently insufficient to determine the role of this variant in disease. Therefore, it has been classified as a Variant of Uncertain Significance.

NM_153365.3(TAPT1):c.707T>G (p.Ile236Ser)

Gene: TAPT1 (transmembrane anterior posterior transformation 1; minus strand). Cytogenetic location: 4p15.32.
Variant type: single nucleotide variant.
Coding change: c.707T>G on transcript NM_153365.3 (MANE Select); coding-DNA position 707, T replaced by G.
Protein change: p.Ile236Ser; replaces isoleucine 236 with serine.
Molecular consequence: missense variant.
Genome position (GRCh38, 1-based): chr4:16,188,261, A>C on the plus strand (T>G on the coding strand, the complement: TAPT1 is on the minus strand). VCF-style: chr4-16188261-A-C. GRCh37 (hg19) VCF-style: chr4-16189884-A-C.
Other names: short protein forms I236S.
Identifiers: ClinVar variation 1416810 (VCV001416810.5), dbSNP rs200624831, ClinGen allele CA2867471.